The following is an entry in ClinVar:

NM_006231.4(POLE):c.1651G>C (p.Val551Leu)

Gene: POLE (DNA polymerase epsilon, catalytic subunit; minus strand). Cytogenetic location: 12q24.33.
Variant type: single nucleotide variant.
Coding change: c.1651G>C on transcript NM_006231.4 (MANE Select); coding-DNA position 1651, G replaced by C.
Protein change: p.Val551Leu; replaces valine 551 with leucine.
Molecular consequence: missense variant.
Genome position (GRCh38, 1-based): chr12:132,672,662, C>G on the plus strand (G>C on the coding strand, the complement: POLE is on the minus strand). VCF-style: chr12-132672662-C-G. GRCh37 (hg19) VCF-style: chr12-133249248-C-G.
Other names: short protein forms V551L.
Identifiers: ClinVar variation 2562931 (VCV002562931.2), dbSNP rs2042956447, ClinGen allele CA387356577.
Genomic context (GRCh38, chr12:132,672,662, plus strand): 5'-TCTGAATCCCAGGGAAGAAGCACACCATCCTAAACCGGCAAGGGATATCGCTGCGGAAAA[C>G]CCCAGACTCGAGGGCCTCCACGTGGCCCCCGACGTAGGTCTCAGAGTCCAGCACGTGTCC-3'
Protein context (NP_006222.2, residues 541-561): GGHVEALESG[Val551Leu]FRSDIPCRFR

ClinVar aggregate classification (germline): Uncertain significance (1 of 4 stars; one submission).

Conditions:
Hereditary cancer-predisposing syndrome. Also called: Neoplastic Syndromes, Hereditary; Hereditary Cancer Syndrome; Hereditary neoplastic syndrome; Tumor predisposition. Identifiers: Orphanet 140162, MedGen C0027672, MeSH D009386, MONDO:0015356.

Submission:

Ambry Genetics
Classification: Uncertain significance for Hereditary cancer-predisposing syndrome. Last evaluated: 2023-05-05. Review status: criteria provided, single submitter. Criteria: Ambry Variant Classification Scheme 2023. Collection method: clinical testing. Allele origin: germline.
Comment: The p.V551L variant (also known as c.1651G>C), located in coding exon 15 of the POLE gene, results from a G to C substitution at nucleotide position 1651. The valine at codon 551 is replaced by leucine, an amino acid with highly similar properties. This amino acid position is conserved. In addition, the in silico prediction for this alteration is inconclusive. Since supporting evidence is limited at this time, the clinical significance of this alteration remains unclear.